The following is an entry in ClinVar:

NM_001302998.2(LIPI):c.568T>C (p.Ser190Pro)

Gene: LIPI (lipase I; minus strand). Cytogenetic location: 21q11.2.
Variant type: single nucleotide variant.
Coding change: c.568T>C on transcript NM_001302998.2 (MANE Select); coding-DNA position 568, T replaced by C.
Protein change: p.Ser190Pro; replaces serine 190 with proline.
Molecular consequence: missense variant.
Genome position (GRCh38, 1-based): chr21:14,181,833, A>G on the plus strand (T>C on the coding strand, the complement: LIPI is on the minus strand). VCF-style: chr21-14181833-A-G. GRCh37 (hg19) VCF-style: chr21-15554154-A-G.
Other names: c.568T>C, p.Ser190Pro (NM_001302999.2, NM_001303000.2, NM_001303001.2 and 1 more transcripts); c.73T>C, p.Ser25Pro (NM_001379566.1); c.433T>C, p.Ser145Pro (NM_198996.4); short protein forms S25P, S190P, S145P.
Identifiers: ClinVar variation 2983846 (VCV002983846.3), dbSNP rs753430316, ClinGen allele CA9979627.
Genomic context (GRCh38, chr21:14,181,833, plus strand): 5'-GGATGACATCCACAAACTTTGCATCCGTGTAATCTAATCTGCTATATGGTGGTTTTCTGG[A>G]GAACCTTGGCCCAGCAGGGTCAAGACCTGGAAAGCAAGAAAGAAATAATCAGTCTCATCA-3'
Protein context (NP_001289927.1, residues 180-200): TGLDPAGPRF[Ser190Pro]RKPPYSRLDY

ClinVar aggregate classification (germline): Uncertain significance (1 of 4 stars; one submission).

Allele frequency attached by ClinVar (database versions not stated): gnomAD exomes below 0.00001; ExAC 0.00001.
gnomAD v4.1: 2 of 1,612,102 alleles (0.00012%); highest among the groups gnomAD compares: South Asian, 0.0011%; no homozygotes.

Submission:

Labcorp Genetics (formerly Invitae), Labcorp
Classification: Uncertain significance. Last evaluated: 2025-02-28. Review status: criteria provided, single submitter. Criteria: Invitae Variant Classification Sherloc (09022015). Collection method: clinical testing. Allele origin: germline.
Comment: This sequence change replaces serine, which is neutral and polar, with proline, which is neutral and non-polar, at codon 211 of the LIPI protein (p.Ser211Pro). The frequency data for this variant in the population databases is considered unreliable, as metrics indicate poor data quality at this position in the gnomAD database. This variant has not been reported in the literature in individuals affected with LIPI-related conditions. ClinVar contains an entry for this variant (Variation ID: 2983846). An algorithm developed to predict the effect of missense changes on protein structure and function (PolyPhen-2) suggests that this variant is likely to be disruptive. In summary, the available evidence is currently insufficient to determine the role of this variant in disease. Therefore, it has been classified as a Variant of Uncertain Significance.